The following is an entry in ClinVar:

ClinVar aggregate classification (germline): Uncertain significance (1 of 4 stars; one submission).

Submission:

Women's Health and Genetics/Laboratory Corporation of America, LabCorp
Classification: Uncertain significance. Last evaluated: 2025-09-04. Review status: criteria provided, single submitter. Criteria: LabCorp Variant Classification Summary - May 2015. Collection method: clinical testing. Allele origin: germline.
Comment: Variant summary: RYR1 c.12869_12919del51 (p.Ala4290_Arg4306del) results in an in-frame deletion that is predicted to remove 17 amino acids from the encoded protein but otherwise preserves the integrity of the reading frame. The variant was absent in 1005642 control chromosomes. The available data on variant occurrences in the general population are insufficient to allow any conclusion about variant significance. To our knowledge, no occurrence of c.12869_12919del51 in individuals affected with RYR1-related conditions and no experimental evidence demonstrating its impact on protein function have been reported. No submitters have cited clinical-significance assessments for this variant to ClinVar. Based on the evidence outlined above, the variant was classified as uncertain significance.

NM_000540.3(RYR1):c.12869_12919del (p.Ala4290_Arg4306del)

Gene: RYR1 (ryanodine receptor 1; plus strand). Cytogenetic location: 19q13.2.
Variant type: Deletion.
Coding change: c.12869_12919del on transcript NM_000540.3 (MANE Select); coding-DNA positions 12869 to 12919, 51 bases deleted.
Protein change: p.Ala4290_Arg4306del.
Molecular consequence: inframe deletion.
Genome position (GRCh38, 1-based): chr19:38,565,203-38,565,253, 51 bases deleted. GRCh37 (hg19): chr19:39,055,843-39,055,893.
Other names: c.12854_12904del, p.Ala4285_Arg4301del (NM_001042723.2); c.12869_12919del51 (NM_000540.3).
Identifiers: ClinVar variation 4535786 (VCV004535786.1).